The following is an entry in ClinVar:

NM_001164508.2(NEB):c.1569+3A>T

Gene: NEB (nebulin; minus strand). Cytogenetic location: 2q23.3.
Variant type: single nucleotide variant.
Coding change: c.1569+3A>T on transcript NM_001164508.2 (MANE Select); 3 bases into the intron after coding-DNA position 1569, A replaced by T.
Molecular consequence: intron variant.
Genome position (GRCh38, 1-based): chr2:151,696,634, T>A on the plus strand (A>T on the coding strand, the complement: NEB is on the minus strand). VCF-style: chr2-151696634-T-A. GRCh37 (hg19) VCF-style: chr2-152553148-T-A.
Other names: c.1569+3A>T (NM_004543.5, NM_001164507.2, NM_001271208.2).
Identifiers: ClinVar variation 654703 (VCV000654703.1), dbSNP rs1576671314, ClinGen allele CA915942828.

ClinVar aggregate classification (germline): Uncertain significance (1 of 4 stars; one submission).

Conditions:
Nemaline myopathy 2 (NEM2). Also called: Nemaline myopathy 2, autosomal recessive. Identifiers: MedGen C1850569, MONDO:0009725, OMIM 256030.

Submission:

Labcorp Genetics (formerly Invitae), Labcorp
Classification: Uncertain significance for Nemaline myopathy 2. Last evaluated: 2018-10-12. Review status: criteria provided, single submitter. Criteria: Invitae Variant Classification Sherloc (09022015). Collection method: clinical testing. Allele origin: germline.
Comment: This sequence change falls in intron 17 of the NEB gene. It does not directly change the encoded amino acid sequence of the NEB protein, but it affects a nucleotide within the consensus splice site of the intron. This variant is not present in population databases (ExAC no frequency). This variant has not been reported in the literature in individuals with NEB-related disease. Nucleotide substitutions within the consensus splice site are a relatively common cause of aberrant splicing (PMID: 17576681, 9536098). Algorithms developed to predict the effect of sequence changes on RNA splicing suggest that this variant may disrupt the consensus splice site, but this prediction has not been confirmed by published transcriptional studies. In summary, the available evidence is currently insufficient to determine the role of this variant in disease. Therefore, it has been classified as a Variant of Uncertain Significance.